The following is an entry in ClinVar:

NM_020872.3(CNTN3):c.2544G>A (p.Lys848=)

Gene: CNTN3 (contactin 3; minus strand). Cytogenetic location: 3p12.3.
Variant type: single nucleotide variant.
Coding change: c.2544G>A on transcript NM_020872.3 (MANE Select); coding-DNA position 2544, G replaced by A.
Protein change: p.Lys848=; no amino-acid change (lysine 848 retained).
Molecular consequence: synonymous variant.
Genome position (GRCh38, 1-based): chr3:74,285,465, C>T on the plus strand (G>A on the coding strand, the complement: CNTN3 is on the minus strand). VCF-style: chr3-74285465-C-T. GRCh37 (hg19) VCF-style: chr3-74334616-C-T.
Other names: c.2544G>A, p.Lys848= (NM_001393376.1).
Identifiers: ClinVar variation 3052504 (VCV003052504.2), dbSNP rs542742446, ClinGen allele CA2494881.

ClinVar aggregate classification (germline): Likely benign (0 of 4 stars; one submission).

Conditions:
CNTN3-related disorder. Also called: CNTN3-related condition.

Allele frequency attached by ClinVar (database versions not stated): gnomAD 0.00004; 1000 Genomes Project 30x 0.00031; 1000 Genomes Project 0.00040.
gnomAD v4.1: 15 of 1,612,212 alleles (0.00093%); highest among the groups gnomAD compares: South Asian, 0.017%; no homozygotes.

Submission:

PreventionGenetics, part of Exact Sciences
Classification: Likely benign for CNTN3-related condition. Last evaluated: 2019-08-21. Review status: no assertion criteria provided. Collection method: clinical testing. Allele origin: germline.
Comment: This variant is classified as likely benign based on ACMG/AMP sequence variant interpretation guidelines (Richards et al. 2015 PMID: 25741868, with internal and published modifications).